The following is an entry in ClinVar:

ClinVar aggregate classification (germline): Uncertain significance (1 of 4 stars; one submission).

Conditions:
NOTCH2-related disorder. Also called: NOTCH2-related condition.

gnomAD v4.1: 1 of 1,612,344 alleles (0.000062%); highest among the groups gnomAD compares: Admixed American, 0.0017%; no homozygotes.

Submission:

PreventionGenetics, part of Exact Sciences
Classification: Uncertain significance for NOTCH2-related condition. Last evaluated: 2024-10-16. Review status: criteria provided, single submitter. Criteria: ACMG Guidelines, 2015. Collection method: clinical testing. Allele origin: germline.
Comment: The NOTCH2 c.4514A>T variant is predicted to result in the amino acid substitution p.Tyr1505Phe. To our knowledge, this variant has not been reported in the literature. This variant is reported in 0.0029% of alleles in individuals of Latino descent in gnomAD. At this time, the clinical significance of this variant is uncertain due to the absence of conclusive functional and genetic evidence.

NM_024408.4(NOTCH2):c.4514A>T (p.Tyr1505Phe)

Gene: NOTCH2 (notch receptor 2; minus strand). Cytogenetic location: 1p12.
Variant type: single nucleotide variant.
Coding change: c.4514A>T on transcript NM_024408.4 (MANE Select); coding-DNA position 4514, A replaced by T.
Protein change: p.Tyr1505Phe; replaces tyrosine 1505 with phenylalanine.
Molecular consequence: missense variant.
Genome position (GRCh38, 1-based): chr1:119,923,982, T>A on the plus strand (A>T on the coding strand, the complement: NOTCH2 is on the minus strand). VCF-style: chr1-119923982-T-A. GRCh37 (hg19) VCF-style: chr1-120466605-T-A.
Other names: short protein forms Y1505F.
Identifiers: ClinVar variation 5001974 (VCV005001974.1).